The following is an entry in ClinVar:

NM_001371623.1(TCOF1):c.3530C>A (p.Pro1177His)

Gene: TCOF1 (treacle ribosome biogenesis factor 1; plus strand). Cytogenetic location: 5q32.
Variant type: single nucleotide variant.
Coding change: c.3530C>A on transcript NM_001371623.1 (MANE Select); coding-DNA position 3530, C replaced by A.
Protein change: p.Pro1177His; replaces proline 1177 with histidine.
Molecular consequence: missense variant.
Genome position (GRCh38, 1-based): chr5:150,392,717, C>A. VCF-style: chr5-150392717-C-A. GRCh37 (hg19) VCF-style: chr5-149772280-C-A.
Other names: c.3296C>A, p.Pro1099His (NM_000356.4); c.3527C>A, p.Pro1176His (NM_001135243.2); c.3416C>A, p.Pro1139His (NM_001135244.2); c.3299C>A, p.Pro1100His (NM_001135245.2); c.3413C>A, p.Pro1138His (NM_001195141.2); short protein forms P1099H, P1100H, P1138H, P1139H, P1176H, P1177H.
Identifiers: ClinVar variation 2428274 (VCV002428274.6), dbSNP rs1136103, ClinGen allele CA3511532.
Genomic context (GRCh38, chr5:150,392,717, plus strand): 5'-CTGGCAGGGGCCACCTGGGGCTACCAACAGGATACTGTGCTTCTCCAGTAGGTCCCACCC[C>A]CTCCAGGACAGAGACCCTGGTGGAGGAGACCGCAGCAGAGTCCAGCGAGGATGATGTGGT-3'
Protein context (NP_001358552.1, residues 1167-1187): KSAHTLVGPT[Pro1177His]SRTETLVEET

ClinVar aggregate classification (germline): Uncertain significance (1 of 4 stars; one submission).

Conditions:
Treacher Collins syndrome 1 (TCS1). Also called: TCOF1-Related Treacher Collins Syndrome. Identifiers: Orphanet 861, MedGen CN315775, MONDO:0007944, OMIM 154500.

gnomAD v4.1: 16 of 1,613,788 alleles (0.00099%); highest among the groups gnomAD compares: East Asian, 0.013%; no homozygotes.

Submission:

Labcorp Genetics (formerly Invitae), Labcorp
Classification: Uncertain significance for Treacher Collins syndrome 1. Last evaluated: 2022-08-22. Review status: criteria provided, single submitter. Criteria: Invitae Variant Classification Sherloc (09022015). Collection method: clinical testing. Allele origin: germline.
Comment: In summary, the available evidence is currently insufficient to determine the role of this variant in disease. Therefore, it has been classified as a Variant of Uncertain Significance. Algorithms developed to predict the effect of missense changes on protein structure and function are either unavailable or do not agree on the potential impact of this missense change (SIFT: "Deleterious"; PolyPhen-2: "Probably Damaging"; Align-GVGD: "Class C0"). This variant has not been reported in the literature in individuals affected with TCOF1-related conditions. This variant is present in population databases (rs1136103, gnomAD 0.006%). This sequence change replaces proline, which is neutral and non-polar, with histidine, which is basic and polar, at codon 1176 of the TCOF1 protein (p.Pro1176His).